The following is an entry in ClinVar:

NM_005529.7(HSPG2):c.10204G>C (p.Val3402Leu)

Gene: HSPG2 (heparan sulfate proteoglycan 2; minus strand). Cytogenetic location: 1p36.12.
Variant type: single nucleotide variant.
Coding change: c.10204G>C on transcript NM_005529.7 (MANE Select); coding-DNA position 10204, G replaced by C.
Protein change: p.Val3402Leu; replaces valine 3402 with leucine.
Molecular consequence: missense variant.
Genome position (GRCh38, 1-based): chr1:21,836,953, C>G on the plus strand (G>C on the coding strand, the complement: HSPG2 is on the minus strand). VCF-style: chr1-21836953-C-G. GRCh37 (hg19) VCF-style: chr1-22163446-C-G.
Other names: c.10204G>C (NM_005529.5); c.10207G>C, p.Val3403Leu (NM_001291860.2); short protein forms V3403L, V3402L.
Identifiers: ClinVar variation 804890 (VCV000804890.16), dbSNP rs150666616, ClinGen allele CA670196.

ClinVar aggregate classification (germline): Conflicting classifications of pathogenicity. Review status: criteria provided, conflicting classifications (1 of 4 stars). 6 submissions from 6 submitters: Uncertain significance (1); Likely benign (4). 1 of the submissions does not count toward it. Last evaluated 2026-01-06.

Conditions:
HSPG2-related disorder. Also called: HSPG2-related condition; HSPG2-related disorders.
Inborn genetic diseases. Identifiers: MedGen C0950123, MeSH D030342.

Allele frequency attached by ClinVar (database versions not stated): gnomAD 0.00105; ESP Exome Variant Server 0.00116; TOPMed 0.00194; 1000 Genomes Project 0.00240; 1000 Genomes Project 30x 0.00250.
gnomAD v4.1: 453 of 1,555,658 alleles (0.029%); highest among the groups gnomAD compares: African/African-American, 0.5%; no homozygotes.

Submissions (6):

Labcorp Genetics (formerly Invitae), Labcorp
Classification: Likely benign. Last evaluated: 2026-01-06. Review status: criteria provided, single submitter. Criteria: Invitae Variant Classification Sherloc (09022015). Collection method: clinical testing. Allele origin: germline.

Women's Health and Genetics/Laboratory Corporation of America, LabCorp
Classification: Likely benign. Last evaluated: 2025-06-12. Review status: criteria provided, single submitter. Criteria: LabCorp Variant Classification Summary - May 2015. Collection method: clinical testing. Allele origin: germline.
Comment: Variant summary: HSPG2 c.10204G>C (p.Val3402Leu) results in a conservative amino acid change in the encoded protein sequence. Algorithms developed to predict the effect of missense changes on protein structure and function are either unavailable or do not agree on the potential impact of this missense change. The variant allele was found at a frequency of 0.00028 in 161916 control chromosomes, predominantly at a frequency of 0.0041 within the African or African-American subpopulation in the gnomAD database. The observed variant frequency within African or African-American control individuals in the gnomAD database exceeds the estimated maximal expected allele frequency for a pathogenic variant in HSPG2 causing Schwartz Jampel Syndrome Type 1 phenotype. To our knowledge, no occurrence of c.10204G>C in individuals affected with Schwartz Jampel Syndrome Type 1 and no experimental evidence demonstrating its impact on protein function have been reported. ClinVar contains an entry for this variant (Variation ID: 804890). Based on the evidence outlined above, the variant was classified as likely benign.

ARUP Laboratories, Molecular Genetics and Genomics, ARUP Laboratories
Classification: Uncertain significance. Last evaluated: 2025-06-11. Review status: criteria provided, single submitter. Criteria: ARUP Molecular Germline Variant Investigation Process 2024. Collection method: clinical testing. Allele origin: germline.
Comment: The HSPG2 c.10204G>C; p.Val3402Leu variant (rs150666616), to our knowledge, is not reported in the medical literature but is reported in ClinVar (Variation ID: 804890). This variant is found in the African/African-American population with an allele frequency of 0.4% (69/17,916 alleles) in the Genome Aggregation Database (v2.1.1). Computational analyses are uncertain whether this variant is neutral or deleterious (REVEL: 0.324). While the high population frequency suggests that this is likely a benign variant, given the lack of clinical and functional data, the significance of this variant is uncertain at this time.

Ambry Genetics
Classification: Likely benign for Inborn genetic diseases. Last evaluated: 2023-02-17. Review status: criteria provided, single submitter. Criteria: Ambry Variant Classification Scheme 2023. Collection method: clinical testing. Allele origin: germline.

Athena Diagnostics
Classification: Likely benign. Last evaluated: 2018-11-30. Review status: criteria provided, single submitter. Criteria: Athena Diagnostics Criteria. Collection method: clinical testing. Allele origin: germline.

PreventionGenetics, part of Exact Sciences
Classification: Likely benign for HSPG2-related condition. Last evaluated: 2022-04-11. Review status: no assertion criteria provided. Collection method: clinical testing. Allele origin: germline. Not counted in ClinVar's aggregate classification.
Comment: This variant is classified as likely benign based on ACMG/AMP sequence variant interpretation guidelines (Richards et al. 2015 PMID: 25741868, with internal and published modifications).